The following is an entry in ClinVar:

ClinVar aggregate classification (germline): Uncertain significance (1 of 4 stars; one submission).

Allele frequency attached by ClinVar (database versions not stated): TOPMed below 0.00001; ExAC 0.00003.
gnomAD v4.1: 15 of 1,607,074 alleles (0.00093%); highest among the groups gnomAD compares: South Asian, 0.0033%; no homozygotes.

Submission:

GeneDx
Classification: Uncertain significance. Last evaluated: 2022-10-03. Review status: criteria provided, single submitter. Criteria: GeneDx Variant Classification Process June 2021. Collection method: clinical testing. Allele origin: germline. Affected: yes.
Comment: Not observed at significant frequency in large population cohorts (gnomAD); In silico analysis supports that this missense variant does not alter protein structure/function; Has not been previously published as pathogenic or benign to our knowledge

NM_198576.4(AGRN):c.1571G>A (p.Arg524Gln)

Gene: AGRN (agrin; plus strand). Cytogenetic location: 1p36.33.
Variant type: single nucleotide variant.
Coding change: c.1571G>A on transcript NM_198576.4 (MANE Select); coding-DNA position 1571, G replaced by A.
Protein change: p.Arg524Gln; replaces arginine 524 with glutamine.
Molecular consequence: missense variant.
Genome position (GRCh38, 1-based): chr1:1,043,425, G>A. VCF-style: chr1-1043425-G-A. GRCh37 (hg19) VCF-style: chr1-978805-G-A.
Other names: c.1571G>A, p.Arg524Gln (NM_001305275.2); c.1256G>A, p.Arg419Gln (NM_001364727.2); short protein forms R419Q, R524Q.
Identifiers: ClinVar variation 2497994 (VCV002497994.1), dbSNP rs759469134, ClinGen allele CA508231.